The following is an entry in ClinVar:

ClinVar aggregate classification (germline): Uncertain significance (1 of 4 stars; one submission).

Submission:

GeneDx
Classification: Uncertain significance. Last evaluated: 2022-06-29. Review status: criteria provided, single submitter. Criteria: GeneDx Variant Classification Process June 2021. Collection method: clinical testing. Allele origin: germline. Affected: yes.
Comment: Not observed at significant frequency in large population cohorts (gnomAD); Frameshift variant predicted to result in protein truncation as the last 127 amino acids are replaced with 12 different amino acids, although loss of function is not a well-established mechanism of disease; Has not been previously published as pathogenic or benign to our knowledge

NM_175876.5(EXOC8):c.1795del (p.Ser599fs)

Gene: EXOC8 (exocyst complex component 8; minus strand). Cytogenetic location: 1q42.2.
Variant type: Deletion.
Coding change: c.1795del on transcript NM_175876.5 (MANE Select); coding-DNA position 1795, one base deleted (A; older notation c.1795delA).
Protein change: p.Ser599fs; shifts the reading frame from serine 599.
Molecular consequence: frameshift variant.
Genome position (GRCh38, 1-based): chr1:231,335,951, T deleted on the plus strand (A on the coding strand, the reverse complement: EXOC8 is on the minus strand); the first of 2 consecutive T bases (chr1:231,335,951-231,335,952); deleting either gives the same sequence. VCF-style (leftmost placement, unchanged base first): chr1-231335950-CT-C. GRCh37 (hg19) VCF-style: chr1-231471696-CT-C.
Other names: short protein forms S599fs.
Identifiers: ClinVar variation 1810031 (VCV001810031.1), dbSNP rs1418648505, ClinGen allele CA529916661.